The following is an entry in ClinVar:

ClinVar aggregate classification (germline): Uncertain significance (1 of 4 stars; one submission).

Conditions:
Hereditary cancer-predisposing syndrome. Also called: Neoplastic Syndromes, Hereditary; Tumor predisposition; Hereditary Cancer Syndrome; Hereditary neoplastic syndrome. Identifiers: Orphanet 140162, MedGen C0027672, MeSH D009386, MONDO:0015356.

Allele frequency attached by ClinVar (database versions not stated): gnomAD exomes below 0.00001.

Submission:

Ambry Genetics
Classification: Uncertain significance for Hereditary cancer-predisposing syndrome. Last evaluated: 2025-07-14. Review status: criteria provided, single submitter. Criteria: Ambry Variant Classification Scheme 2023. Collection method: clinical testing. Allele origin: germline.
Comment: The p.T416I variant (also known as c.1247C>T), located in coding exon 8 of the MSH3 gene, results from a C to T substitution at nucleotide position 1247. The threonine at codon 416 is replaced by isoleucine, an amino acid with similar properties. This amino acid position is not well conserved in available vertebrate species. In addition, the in silico prediction for this alteration is inconclusive. Since supporting evidence is limited at this time, the clinical significance of this alteration remains unclear.

NM_002439.5(MSH3):c.1247C>T (p.Thr416Ile)

Gene: MSH3 (mutS homolog 3; plus strand). Cytogenetic location: 5q14.1.
Variant type: single nucleotide variant.
Coding change: c.1247C>T on transcript NM_002439.5 (MANE Select); coding-DNA position 1247, C replaced by T.
Protein change: p.Thr416Ile; replaces threonine 416 with isoleucine.
Molecular consequence: missense variant.
Genome position (GRCh38, 1-based): chr5:80,679,000, C>T. VCF-style: chr5-80679000-C-T. GRCh37 (hg19) VCF-style: chr5-79974819-C-T.
Other names: short protein forms T416I.
Identifiers: ClinVar variation 1759796 (VCV001759796.3), dbSNP rs1749904327, ClinGen allele CA360268971.
Genomic context (GRCh38, chr5:80,679,000, plus strand): 5'-CCACAGGCGAGGTTGTGTTTGATAGTTTCCAGGACTCTGCTTCTCGTTCAGAGCTAGAAA[C>T]CCGGATGTCAAGCCTGCAGCCAGTAGAGCTGCTGCTTCCTTCGGCCTTGTCCGAGCAAAC-3'
Protein context (NP_002430.3, residues 406-426): QDSASRSELE[Thr416Ile]RMSSLQPVEL